The following is an entry in ClinVar:

ClinVar aggregate classification (germline): Likely benign (1 of 4 stars; one submission).

Conditions:
KRT10-related disorder. Also called: KRT10-related condition.

gnomAD v4.1: 63 of 1,606,706 alleles (0.0039%); highest among the groups gnomAD compares: Middle Eastern, 0.033%; 1 homozygote.

Submission:

PreventionGenetics, part of Exact Sciences
Classification: Likely benign for KRT10-related condition. Last evaluated: 2024-10-18. Review status: criteria provided, single submitter. Criteria: ACMG Guidelines, 2015. Collection method: clinical testing. Allele origin: germline.
Comment: This variant is classified as likely benign based on ACMG/AMP sequence variant interpretation guidelines (Richards et al. 2015 PMID: 25741868, with internal and published modifications).

NM_000421.5(KRT10):c.222T>C (p.Tyr74=)

Genes: KRT10 (keratin 10; minus strand), KRT10-AS1 (KRT10 antisense RNA 1; plus strand). Cytogenetic location: 17q21.2.
Variant type: single nucleotide variant.
Coding change: c.222T>C on transcript NM_000421.5 (MANE Select); coding-DNA position 222, T replaced by C.
Protein change: p.Tyr74=; no amino-acid change (tyrosine 74 retained).
Molecular consequence: synonymous variant.
Genome position (GRCh38, 1-based): chr17:40,822,364, A>G on the plus strand (T>C on the coding strand, the complement: KRT10 is on the minus strand). VCF-style: chr17-40822364-A-G. GRCh37 (hg19) VCF-style: chr17-38978616-A-G.
Other names: c.222T>C, p.Tyr74= (NM_001379366.1).
Identifiers: ClinVar variation 4979557 (VCV004979557.1).